The following is an entry in ClinVar:

NM_001329943.3(KIAA0586):c.4573G>A (p.Glu1525Lys)

Gene: KIAA0586 (KIAA0586; plus strand). Cytogenetic location: 14q23.1.
Variant type: single nucleotide variant.
Coding change: c.4573G>A on transcript NM_001329943.3 (MANE Select); coding-DNA position 4573, G replaced by A.
Protein change: p.Glu1525Lys; replaces glutamic acid 1525 with lysine.
Molecular consequence: missense variant.
Genome position (GRCh38, 1-based): chr14:58,547,858, G>A. VCF-style: chr14-58547858-G-A. GRCh37 (hg19) VCF-style: chr14-59014576-G-A.
Other names: c.4817G>A, p.Arg1606Gln (NM_001244189.2); c.4528G>A, p.Glu1510Lys (NM_001244190.2); c.4318G>A, p.Glu1440Lys (NM_001244191.2, NM_001364701.2); c.4441G>A, p.Glu1481Lys (NM_001244192.2, NM_001329947.2); c.4658G>A, p.Arg1553Gln (NM_001329944.2); c.4252G>A, p.Glu1418Lys (NM_001329945.2); c.4507G>A, p.Glu1503Lys (NM_001329946.2); c.4345G>A, p.Glu1449Lys (NM_014749.5); short protein forms E1418K, E1440K, E1510K, E1449K, R1553Q, R1606Q, E1481K, E1503K.
Identifiers: ClinVar variation 1414157 (VCV001414157.7), dbSNP rs375085808, ClinGen allele CA7206452.

ClinVar aggregate classification (germline): Uncertain significance (1 of 4 stars; one submission).

Conditions:
Joubert syndrome 23 (JBTS23). Identifiers: Orphanet 475, MedGen C4084822, MONDO:0014664, OMIM 616490.
Short-rib thoracic dysplasia 14 with polydactyly (SRTD14). Identifiers: Orphanet 397715, MedGen C4225286, MONDO:0014688, OMIM 616546.

Allele frequency attached by ClinVar (database versions not stated): gnomAD 0.00001; gnomAD exomes 0.00002 and 0.00003; ESP Exome Variant Server 0.00008; TOPMed below 0.00001; ExAC 0.00002.
gnomAD v4.1: 32 of 1,613,594 alleles (0.002%); highest among the groups gnomAD compares: South Asian, 0.0044%; no homozygotes.

Submission:

Labcorp Genetics (formerly Invitae), Labcorp
Classification: Uncertain significance for Joubert syndrome 23; Short-rib thoracic dysplasia 14 with polydactyly. Last evaluated: 2025-11-16. Review status: criteria provided, single submitter. Criteria: Invitae Variant Classification Sherloc (09022015). Collection method: clinical testing. Allele origin: germline.
Comment: This sequence change replaces arginine, which is basic and polar, with glutamine, which is neutral and polar, at codon 1606 of the KIAA0586 protein (p.Arg1606Gln). This variant is present in population databases (rs375085808, gnomAD 0.006%). This variant has not been reported in the literature in individuals affected with KIAA0586-related conditions. ClinVar contains an entry for this variant (Variation ID: 1414157). An algorithm developed to predict the effect of missense changes on protein structure and function (PolyPhen-2) suggests that this variant is likely to be tolerated. In summary, the available evidence is currently insufficient to determine the role of this variant in disease. Therefore, it has been classified as a Variant of Uncertain Significance.